The following is an entry in ClinVar:

ClinVar aggregate classification (germline): Pathogenic (1 of 4 stars; one submission).

Conditions:
MYPN-related myopathy (CMYO24). Also called: Nemaline myopathy 11, autosomal recessive. Identifiers: MedGen C4479186, MONDO:0015023, OMIM 617336.

Submission:

Women's Health and Genetics/Laboratory Corporation of America, LabCorp
Classification: Pathogenic for MYPN-related myopathy. Last evaluated: 2026-05-27. Review status: criteria provided, single submitter. Criteria: LabCorp Variant Classification Summary - May 2015. Collection method: clinical testing. Allele origin: germline.
Comment: Variant summary: MYPN c.2904delT (p.Ile968MetfsX27) results in a premature termination codon, predicted to cause a truncation of the encoded protein or absence of the protein due to nonsense mediated decay, which are commonly known mechanisms for disease. The variant was absent in 250632 control chromosomes. To our knowledge, no occurrence of c.2904delT in individuals affected with MYPN-related conditions and no experimental evidence demonstrating its impact on protein function have been reported. No submitters have cited clinical-significance assessments for this variant to ClinVar. Based on the evidence outlined above, the variant was classified as pathogenic.

NM_032578.4(MYPN):c.2904del (p.Ile968fs)

Gene: MYPN (myopalladin; plus strand). Cytogenetic location: 10q21.3.
Variant type: Deletion.
Coding change: c.2904del on transcript NM_032578.4 (MANE Select); coding-DNA position 2904, one base deleted (T; older notation c.2904delT).
Protein change: p.Ile968fs; shifts the reading frame from isoleucine 968.
Molecular consequence: frameshift variant. On other transcripts: non-coding transcript variant (2).
Genome position (GRCh38, 1-based): chr10:68,189,105, T deleted; the last of 2 consecutive T bases (chr10:68,189,104-68,189,105); deleting either gives the same sequence. VCF-style (leftmost placement, unchanged base first): chr10-68189103-AT-A. GRCh37 (hg19) VCF-style: chr10-69948860-AT-A.
Other names: c.2904del, p.Ile968fs (NM_001256267.2); c.2022del, p.Ile674fs (NM_001256268.2); c.2904delT (NM_032578.4); short protein forms I674fs, I968fs.
Identifiers: ClinVar variation 4853659 (VCV004853659.1).
Genomic context (GRCh38, chr10:68,189,103, plus strand): 5'-GACAAGAGACTCAAGCACTTCCGGGTCACAGAAGGCTCTCCAGTTACATTCACCTGCAAA[AT>A]TGTTGGGATACCTGTTCCAAAGGTAGGGAAGATGACAAGCCAGTTGGCCACCTCACAGCA-3'